The following is an entry in ClinVar:

NM_005529.7(HSPG2):c.4739C>T (p.Ser1580Leu)

Gene: HSPG2 (heparan sulfate proteoglycan 2; minus strand). Cytogenetic location: 1p36.12.
Variant type: single nucleotide variant.
Coding change: c.4739C>T on transcript NM_005529.7 (MANE Select); coding-DNA position 4739, C replaced by T.
Protein change: p.Ser1580Leu; replaces serine 1580 with leucine.
Molecular consequence: missense variant.
Genome position (GRCh38, 1-based): chr1:21,864,101, G>A on the plus strand (C>T on the coding strand, the complement: HSPG2 is on the minus strand). VCF-style: chr1-21864101-G-A. GRCh37 (hg19) VCF-style: chr1-22190594-G-A.
Other names: c.4742C>T, p.Ser1581Leu (NM_001291860.2); short protein forms S1580L, S1581L.
Identifiers: ClinVar variation 1982006 (VCV001982006.4), dbSNP rs866319414, ClinGen allele CA19134280.

ClinVar aggregate classification (germline): Uncertain significance (1 of 4 stars; one submission).

Allele frequency attached by ClinVar (database versions not stated): gnomAD 0.00001; gnomAD exomes 0.00001; TOPMed 0.00003.
gnomAD v4.1: 12 of 1,551,678 alleles (0.00077%); highest among the groups gnomAD compares: African/African-American, 0.0041%; no homozygotes.

Submission:

Labcorp Genetics (formerly Invitae), Labcorp
Classification: Uncertain significance. Last evaluated: 2022-05-03. Review status: criteria provided, single submitter. Criteria: Invitae Variant Classification Sherloc (09022015). Collection method: clinical testing. Allele origin: germline.
Comment: In summary, the available evidence is currently insufficient to determine the role of this variant in disease. Therefore, it has been classified as a Variant of Uncertain Significance. Algorithms developed to predict the effect of missense changes on protein structure and function are either unavailable or do not agree on the potential impact of this missense change (SIFT: "Tolerated"; PolyPhen-2: "Probably Damaging"; Align-GVGD: "Class C0"). This variant has not been reported in the literature in individuals affected with HSPG2-related conditions. The frequency data for this variant in the population databases is considered unreliable, as metrics indicate poor data quality at this position in the gnomAD database. This sequence change replaces serine, which is neutral and polar, with leucine, which is neutral and non-polar, at codon 1580 of the HSPG2 protein (p.Ser1580Leu).